The following is an entry in ClinVar:

NM_000238.4(KCNH2):c.1904A>C (p.Asn635Thr)

Gene: KCNH2 (potassium voltage-gated channel subfamily H member 2; minus strand). Cytogenetic location: 7q36.1.
Variant type: single nucleotide variant.
Coding change: c.1904A>C on transcript NM_000238.4 (MANE Select); coding-DNA position 1904, A replaced by C.
Protein change: p.Asn635Thr; replaces asparagine 635 with threonine.
Molecular consequence: missense variant.
Genome position (GRCh38, 1-based): chr7:150,951,489, T>G on the plus strand (A>C on the coding strand, the complement: KCNH2 is on the minus strand). VCF-style: chr7-150951489-T-G. GRCh37 (hg19) VCF-style: chr7-150648577-T-G.
Other names: c.884A>C, p.Asn295Thr (NM_001204798.2, NM_172057.3); c.1616A>C, p.Asn539Thr (NM_001406753.1, NM_001406756.1); c.1727A>C, p.Asn576Thr (NM_001406755.1); c.1604A>C, p.Asn535Thr (NM_001406757.1); c.1904A>C, p.Asn635Thr (NM_172056.3); short protein forms N576T, N635T, N535T, N539T, N295T.
Identifiers: ClinVar variation 2123781 (VCV002123781.4), dbSNP rs199472964, ClinGen allele CA369857872.

ClinVar aggregate classification (germline): Uncertain significance (1 of 4 stars; one submission).

Conditions:
Long QT syndrome (LQTS). Identifiers: MedGen C0023976, MeSH D008133, MONDO:0002442. Disease mechanism: loss of function. Inheritance: Various modes of inheritance.

Submission:

Labcorp Genetics (formerly Invitae), Labcorp
Classification: Uncertain significance for Long QT syndrome. Last evaluated: 2022-04-09. Review status: criteria provided, single submitter. Criteria: Invitae Variant Classification Sherloc (09022015). Collection method: clinical testing. Allele origin: germline.
Comment: This variant disrupts the p.Asn635 amino acid residue in KCNH2. Other variant(s) that disrupt this residue have been observed in individuals with KCNH2-related conditions (PMID: 22949429; Invitae), which suggests that this may be a clinically significant amino acid residue. In summary, the available evidence is currently insufficient to determine the role of this variant in disease. Therefore, it has been classified as a Variant of Uncertain Significance. Algorithms developed to predict the effect of missense changes on protein structure and function are either unavailable or do not agree on the potential impact of this missense change (SIFT: "Deleterious"; PolyPhen-2: "Probably Damaging"; Align-GVGD: "Class C0"). This missense change has been observed in individual(s) with clinical features of long QT syndrome (Invitae). This variant is not present in population databases (gnomAD no frequency). This sequence change replaces asparagine, which is neutral and polar, with threonine, which is neutral and polar, at codon 635 of the KCNH2 protein (p.Asn635Thr).

Literature cited by the submitters: PubMed 22949429.